The following is an entry in ClinVar:

NM_001122769.3(LCA5):c.1753dup (p.Glu585fs)

Gene: LCA5 (lebercilin LCA5; minus strand). Cytogenetic location: 6q14.1.
Variant type: Duplication.
Coding change: c.1753dup on transcript NM_001122769.3 (MANE Select); coding-DNA position 1753, one base duplicated (G; older notation c.1753dupG).
Protein change: p.Glu585fs; shifts the reading frame from glutamic acid 585.
Molecular consequence: frameshift variant.
Genome position (GRCh38, 1-based): chr6:79,487,345, C duplicated on the plus strand (G on the coding strand, the reverse complement: LCA5 is on the minus strand); the first of 2 consecutive C bases (chr6:79,487,345-79,487,346); duplicating either gives the same sequence. VCF-style (leftmost placement, unchanged base first): chr6-79487344-T-TC. GRCh37 (hg19) VCF-style: chr6-80197061-T-TC.
Other names: c.1753dup, p.Glu585fs (NM_181714.4); short protein forms E585fs.
Identifiers: ClinVar variation 2702512 (VCV002702512.3), dbSNP rs2533368368, ClinGen allele CA2697553613.
Genomic context (GRCh38, chr6:79,487,344, plus strand): 5'-ATCAAATTAGCTTTTTTCTCTTTTCTTGTAATTAAATCTACACCATCTTTACTAAGTTTT[T>TC]CCATACTGTTTCTTTGGAAATCCAAAAAACTACTTTTTTGACTAAATGGATTTGACCTCT-3'

ClinVar aggregate classification (germline): Pathogenic (1 of 4 stars; one submission).

Submission:

Labcorp Genetics (formerly Invitae), Labcorp
Classification: Pathogenic. Last evaluated: 2023-12-12. Review status: criteria provided, single submitter. Criteria: Invitae Variant Classification Sherloc (09022015). Collection method: clinical testing. Allele origin: germline.
Comment: This sequence change creates a premature translational stop signal (p.Glu585Glyfs*4) in the LCA5 gene. While this is not anticipated to result in nonsense mediated decay, it is expected to disrupt the last 113 amino acid(s) of the LCA5 protein. This variant is not present in population databases (gnomAD no frequency). This variant has not been reported in the literature in individuals affected with LCA5-related conditions. This variant disrupts a region of the LCA5 protein in which other variant(s) (p.Lys586*) have been determined to be pathogenic (PMID: 23946133, 27624628). This suggests that this is a clinically significant region of the protein, and that variants that disrupt it are likely to be disease-causing. For these reasons, this variant has been classified as Pathogenic.

Literature cited by the submitters: PubMed 23946133; PubMed 27624628.